The following is an entry in ClinVar:

ClinVar aggregate classification (germline): Pathogenic/Likely pathogenic. Review status: criteria provided, multiple submitters, no conflicts (2 of 4 stars). 5 submissions from 5 submitters: Pathogenic (4); Likely pathogenic (1). Last evaluated 2026-01-27.

Conditions:
PEX1-related disorder. Also called: PEX1-related condition.
Peroxisome biogenesis disorder. Identifiers: Orphanet 79189, MedGen C1832200, MONDO:0019234. Disease mechanism: loss of function.
Peroxisome biogenesis disorder 1A (Zellweger) (PBD1A). Also called: Zellweger leukodystrophy; Peroxisome biogenesis disorder 1a. Identifiers: MedGen C4721541, MONDO:0008953, OMIM 214100.
Zellweger spectrum disorders (ZS). Also called: Zellweger Spectrum Disorder (ZSD); Zellweger syndrome; Zellweger Spectrum Disorder; Zellweger Spectrum. Identifiers: Orphanet 912, MedGen C0043459, MONDO:0019609.

Submissions (5):

Myriad Genetics, Inc.
Classification: Likely pathogenic for Peroxisome biogenesis disorder. Last evaluated: 2026-01-27. Review status: criteria provided, single submitter. Criteria: Myriad Autosomal Dominant, Autosomal Recessive and X-Linked Classification Criteria (2023). Collection method: clinical testing. Allele origin: unknown.
Comment: NM_000466.2(PEX1):c.1483+1G>A is a variant in a canonical splice site classified as likely pathogenic in the context of peroxisome biogenesis disorder type 1. c.1483+1G>A has been observed in a case with relevant disease (PMID: 28432012). Relevant functional assessments of this variant are not available in the literature. c.1483+1G>A has not been observed in referenced population frequency databases. In summary, NM_000466.2(PEX1):c.1483+1G>A is a variant in a canonical splice site in a gene where loss of function is a known mechanism of disease, is predicted to disrupt protein function, and has been observed more frequently in cases with the relevant disease than in healthy populations. Please note: this variant was assessed in the context of healthy population screening.

Natera, Inc.
Classification: Pathogenic for Zellweger syndrome. Last evaluated: 2024-06-13. Review status: criteria provided, single submitter. Criteria: Natera Variant Classification Schema (03/2026). Collection method: clinical testing. Allele origin: germline.
Comment: The c.1483+1G>A variant in PEX1 is a canonical splice donor site variant predicted to affect pre-mRNA splicing, which may result in an abnormal transcript and altered protein product. This variant is expected to result in nonsense mediated decay, truncation, or a dysfunctional protein product. This variant is rare in the general population with a frequency below the threshold expected for the associated phenotype(s). This variant has been observed in one or more individuals affected with the associated recessive disease, as either homozygous or compound heterozygous with a second variant (PMID: 28432012). Given the available evidence, this variant is classified as Pathogenic.

Labcorp Genetics (formerly Invitae), Labcorp
Classification: Pathogenic for Zellweger spectrum disorders. Last evaluated: 2022-08-16. Review status: criteria provided, single submitter. Criteria: Invitae Variant Classification Sherloc (09022015). Collection method: clinical testing. Allele origin: germline.
Comment: This variant is not present in population databases (gnomAD no frequency). This sequence change affects a donor splice site in intron 7 of the PEX1 gene. It is expected to disrupt RNA splicing. Variants that disrupt the donor or acceptor splice site typically lead to a loss of protein function (PMID: 16199547), and loss-of-function variants in PEX1 are known to be pathogenic (PMID: 9398847, 16086329, 16141001, 21031596, 26387595, 31831025). Disruption of this splice site has been observed in individual(s) with clinical features of Zellweger syndrome (PMID: 28432012). In at least one individual the data is consistent with being in trans (on the opposite chromosome) from a pathogenic variant. ClinVar contains an entry for this variant (Variation ID: 830062). Algorithms developed to predict the effect of sequence changes on RNA splicing suggest that this variant may disrupt the consensus splice site. For these reasons, this variant has been classified as Pathogenic.

Blueprint Genetics
Classification: Pathogenic for PEX1-related disorders. Last evaluated: 2022-03-24. Review status: criteria provided, single submitter. Criteria: ACMG Guidelines, 2015. Collection method: clinical testing. Allele origin: germline. Affected: yes. Observed: 2 variant alleles.

Center for Molecular Medicine, Children’s Hospital of Fudan University
Classification: Pathogenic for Peroxisome biogenesis disorder 1A (Zellweger). Last evaluated: 2019-05-10. Review status: criteria provided, single submitter. Criteria: ACMG Guidelines, 2015. Collection method: clinical testing. Allele origin: paternal. Affected: yes.

Literature cited by the submitters: PubMed 28432012 (cited by 3 submitters); PubMed 16199547 (cited by Labcorp Genetics (formerly Invitae), Labcorp); PubMed 9398847 (cited by Labcorp Genetics (formerly Invitae), Labcorp); PubMed 16086329 (cited by Labcorp Genetics (formerly Invitae), Labcorp); PubMed 16141001 (cited by Labcorp Genetics (formerly Invitae), Labcorp); PubMed 21031596 (cited by Labcorp Genetics (formerly Invitae), Labcorp); PubMed 26387595 (cited by Labcorp Genetics (formerly Invitae), Labcorp); PubMed 31831025 (cited by Labcorp Genetics (formerly Invitae), Labcorp).

NM_000466.3(PEX1):c.1483+1G>A

Gene: PEX1 (peroxisomal biogenesis factor 1; minus strand). Cytogenetic location: 7q21.2.
Variant type: single nucleotide variant.
Coding change: c.1483+1G>A on transcript NM_000466.3 (MANE Select); the canonical splice donor site of the intron after coding-DNA position 1483, G replaced by A.
Molecular consequence: splice donor variant.
Genome position (GRCh38, 1-based): chr7:92,511,579, C>T on the plus strand (G>A on the coding strand, the complement: PEX1 is on the minus strand). VCF-style: chr7-92511579-C-T. GRCh37 (hg19) VCF-style: chr7-92140893-C-T.
Other names: c.1483+1G>A (NM_001282677.2); c.859+1G>A (NM_001282678.2).
Identifiers: ClinVar variation 830062 (VCV000830062.11), dbSNP rs1585244586, ClinGen allele CA368190525.